The following is an entry in ClinVar:

ClinVar aggregate classification (germline): Pathogenic/Likely pathogenic. Review status: criteria provided, multiple submitters, no conflicts (2 of 4 stars). 8 submissions from 8 submitters: Pathogenic (4); Likely pathogenic (3). 1 of the submissions does not count toward it. Last evaluated 2026-04-12.

Conditions:
Wieacker-Wolff syndrome. Also called: MENTAL RETARDATION, X-LINKED, SYNDROMIC 4; MENTAL RETARDATION, X-LINKED, WITH CONGENITAL CONTRACTURES AND LOW FINGERTIP ARCHES; Intellectual disability-developmental delay-contractures syndrome; Wieacker-Wolff, X-linked recessive; Miles-Carpenter syndrome; APRAXIA, OCULOMOTOR, WITH CONGENITAL CONTRACTURES AND MUSCLE ATROPHY. Identifiers: Orphanet 3454, Orphanet 85283, MedGen C0796200, MONDO:0010758, OMIM 314580.
ZC4H2-related disorder. Also called: ZC4H2-related condition.
ZC4H2-related X-linked intellectual disability.

Submissions (8):

Dasa
Classification: Likely pathogenic. Last evaluated: 2026-04-12. Review status: criteria provided, single submitter. Criteria: DASA Assertion Criteria. Collection method: clinical testing. Allele origin: germline.
Comment: NM_018684.4(ZC4H2):c.225+5G>A is a splice-region variant predicted to affect normal RNA splicing. This variant has been reported as a de novo occurrence in an affected individual (PMID: 36250278). Segregation data support an association with disease in the reported family/families (PMID: 26056227). Functional evidence supports an impact on the gene or gene product (PMID: 36250278; PMID: 26056227). This variant has been recurrently observed in individuals with ZC4H2-related disorders (PMID: 36250278; PMID: 26056227). Also, this variant is absent from population databases. Computational evidence supports a deleterious effect. Based on the currently available evidence, this variant is classified as likely pathogenic.

3billion
Classification: Likely pathogenic for Wieacker-Wolff syndrome. Last evaluated: 2025-11-25. Review status: criteria provided, single submitter. Criteria: ACMG Guidelines, 2015. Collection method: clinical testing. Allele origin: germline. Affected: yes.
Comment: The variant is not observed in the gnomAD v4.1.0 dataset. Predicted Consequence/Location: Intron variant In silico tools predict the variant to alter splicing and produce an abnormal transcript [SpliceAI: 0.85 (>=0.2, moderate evidence for spliceogenicity)]. The variant has been reported at least twice as pathogenic with clinical assertions and evidence for the classification (ClinVar ID: VCV000378044 /PMID: 26056227). Therefore, this variant is classified as Likely pathogenic according to the recommendation of ACMG/AMP guideline.

Labcorp Genetics (formerly Invitae), Labcorp
Classification: Pathogenic. Last evaluated: 2024-08-08. Review status: criteria provided, single submitter. Criteria: Invitae Variant Classification Sherloc (09022015). Collection method: clinical testing. Allele origin: germline.
Comment: This sequence change falls in intron 2 of the ZC4H2 gene. It does not directly change the encoded amino acid sequence of the ZC4H2 protein. RNA analysis indicates that this variant induces altered splicing and likely results in the gain of 15 amino acid residue(s), but is expected to preserve the integrity of the reading-frame. This variant is not present in population databases (gnomAD no frequency). This variant has been observed in individual(s) with clinical features of X-linked intellectual disability (PMID: 26056227, 36250278; Invitae). In at least one individual the variant was observed to be de novo. It has also been observed to segregate with disease in related individuals. ClinVar contains an entry for this variant (Variation ID: 378044). Variants that disrupt the consensus splice site are a relatively common cause of aberrant splicing (PMID: 17576681, 9536098). Studies have shown that this variant results in the activation of a cryptic splice site in intron 2 (PMID: 26056227). For these reasons, this variant has been classified as Pathogenic.

Blueprint Genetics
Classification: Pathogenic for ZC4H2-related disorders. Last evaluated: 2023-08-22. Review status: criteria provided, single submitter. Criteria: ACMG Guidelines, 2015. Collection method: clinical testing. Allele origin: germline. Affected: yes. Observed: 1 variant allele.

CeGaT Center for Human Genetics Tuebingen
Classification: Pathogenic. Last evaluated: 2023-03-01. Review status: criteria provided, single submitter. Criteria: CeGaT Center For Human Genetics Tuebingen Variant Classification Criteria Version 2. Collection method: clinical testing. Allele origin: germline. Affected: yes. Observed: 1 variant allele.
Comment: ZC4H2: PP1:Strong, PM2, PS4:Moderate, PP3, PS3:Supporting

Illumina Laboratory Services, Illumina
Classification: Likely pathogenic for ZC4H2-related X-linked intellectual disability. Last evaluated: 2021-11-02. Review status: criteria provided, single submitter. Criteria: ICSLVariantClassificationCriteria RUGD 01 April 2020. Collection method: clinical testing. Allele origin: unknown.
Comment: The ZC4H2 c.225+5G>A variant is an intronic splice region variant that has been reported in two studies, in which it is found in a hemizygous state in a total of four individuals from two unrelated families with ZC4H2-related X-linked intellectual disability, including one family with three affected male individuals (May et al. 2015; Bertoli-Avella et al. 2021). The c.225+5G>A variant is not found in version 2.1.1 or version 3.1.2 of the Genome Aggregation Database despite its location in a region of reasonably good sequence coverage, which suggests the variant is rare. May et al. (2015) demonstrated that the variant resulted in an in-frame insertion of 15 amino acids, and RT-PCR confirmed the absence of a wild type transcript. This variant was identified in a de novo state. Based on the available evidence, the c.225+5G>A variant is classified as likely pathogenic for ZC4H2-related X-linked intellectual disability.

GeneDx
Classification: Pathogenic. Last evaluated: 2021-10-29. Review status: criteria provided, single submitter. Criteria: GeneDx Variant Classification Process June 2021. Collection method: clinical testing. Allele origin: germline. Affected: yes.
Comment: Canonical splice site variant predicted to result in an in-frame insertion of 15 amino acids of exon 2 (May et al., 2015); Not observed in large population cohorts (gnomAD); This variant is associated with the following publications: (PMID: 26056227, 28345801, 29150902, 17576681, 9536098, 32860008, 31885220)

OMIM
Classification: Pathogenic for WIEACKER-WOLFF SYNDROME. Last evaluated: 2017-03-02. Review status: no assertion criteria provided. Collection method: literature only. Allele origin: germline. Not counted in ClinVar's aggregate classification.

Literature cited by the submitters: PubMed 36250278 (cited by Dasa and Labcorp Genetics (formerly Invitae), Labcorp); PubMed 26056227 (cited by 5 submitters); PubMed 17576681 (cited by Labcorp Genetics (formerly Invitae), Labcorp); PubMed 9536098 (cited by Labcorp Genetics (formerly Invitae), Labcorp); PubMed 32860008 (cited by Illumina Laboratory Services, Illumina).

NM_018684.4(ZC4H2):c.225+5G>A

Gene: ZC4H2 (zinc finger C4H2-type containing; minus strand). Cytogenetic location: Xq11.2.
Variant type: single nucleotide variant.
Coding change: c.225+5G>A on transcript NM_018684.4 (MANE Select); 5 bases into the intron after coding-DNA position 225, G replaced by A.
Molecular consequence: intron variant.
Genome position (GRCh38, 1-based): chrX:64,921,812, C>T on the plus strand (G>A on the coding strand, the complement: ZC4H2 is on the minus strand). VCF-style: chrX-64921812-C-T. GRCh37 (hg19) VCF-style: chrX-64141692-C-T.
Other names: IVS2DS, G-A, +5; c.156+5G>A (NM_001243804.2, NM_001178032.3); c.225+5G>A (NM_001178033.3).
Identifiers: ClinVar variation 378044 (VCV000378044.46), dbSNP rs1057520298, ClinGen allele CA16609221.